The following is an entry in ClinVar:

ClinVar aggregate classification (germline): Conflicting classifications of pathogenicity. Review status: criteria provided, conflicting classifications (1 of 4 stars). 2 submissions from 2 submitters: Uncertain significance (1); Likely benign (1). Last evaluated 2024-02-01.

Conditions:
Primary ciliary dyskinesia. Also called: Ciliary dyskinesia. Identifiers: Orphanet 244, MedGen C0008780, MONDO:0016575, HP:0012265.

Allele frequency attached by ClinVar (database versions not stated): gnomAD 0.00001; gnomAD exomes 0.00001 and 0.00002; TOPMed 0.00004.
gnomAD v4.1: 6 of 1,614,050 alleles (0.00037%); highest among the groups gnomAD compares: Admixed American, 0.01%; no homozygotes.

Submissions (2):

Labcorp Genetics (formerly Invitae), Labcorp
Classification: Likely benign for Primary ciliary dyskinesia. Last evaluated: 2024-02-01. Review status: criteria provided, single submitter. Criteria: Invitae Variant Classification Sherloc (09022015). Collection method: clinical testing. Allele origin: germline.

Ambry Genetics
Classification: Uncertain significance for Primary ciliary dyskinesia. Last evaluated: 2017-09-28. Review status: criteria provided, single submitter. Criteria: Ambry Variant Classification Scheme 2023. Collection method: clinical testing. Allele origin: germline.
Comment: The c.9999A>G variant (also known as p.K3333K), located in coding exon 59, results from an A to G substitution at nucleotide position 9999 of the DNAH5 gene. This nucleotide substitution does not change the amino acid at codon 3333. This nucleotide position is poorly conserved in available vertebrate species. Using the BDGP and ESEfinder splice site prediction tools, this alteration is predicted to create a new alternate splice donor site; however, direct evidence is unavailable. Since supporting evidence is limited at this time, the clinical significance of this alteration remains unclear.

NM_001369.3(DNAH5):c.9999A>G (p.Lys3333=)

Gene: DNAH5 (dynein axonemal heavy chain 5; minus strand). Cytogenetic location: 5p15.2.
Variant type: single nucleotide variant.
Coding change: c.9999A>G on transcript NM_001369.3 (MANE Select); coding-DNA position 9999, A replaced by G.
Protein change: p.Lys3333=; no amino-acid change (lysine 3333 retained).
Molecular consequence: synonymous variant.
Genome position (GRCh38, 1-based): chr5:13,766,078, T>C on the plus strand (A>G on the coding strand, the complement: DNAH5 is on the minus strand). VCF-style: chr5-13766078-T-C. GRCh37 (hg19) VCF-style: chr5-13766187-T-C.
Identifiers: ClinVar variation 1134348 (VCV001134348.11), dbSNP rs1038607014, ClinGen allele CA113928101.